The following is an entry in ClinVar:

ClinVar aggregate classification (germline): Uncertain significance (1 of 4 stars; one submission).

Conditions:
Neuronal ceroid lipofuscinosis 7 (CLN7). Also called: MFSD8-Related Neuronal Ceroid-Lipofuscinosis. Identifiers: Orphanet 168491, Orphanet 228366, MedGen C1838571, MONDO:0012588, OMIM 610951.

Submission:

Labcorp Genetics (formerly Invitae), Labcorp
Classification: Uncertain significance for Neuronal ceroid lipofuscinosis 7. Last evaluated: 2022-01-03. Review status: criteria provided, single submitter. Criteria: Invitae Variant Classification Sherloc (09022015). Collection method: clinical testing. Allele origin: germline.
Comment: This sequence change replaces glycine, which is neutral and non-polar, with arginine, which is basic and polar, at codon 145 of the MFSD8 protein (p.Gly145Arg). This variant is not present in population databases (gnomAD no frequency). This variant has not been reported in the literature in individuals affected with MFSD8-related conditions. Algorithms developed to predict the effect of missense changes on protein structure and function are either unavailable or do not agree on the potential impact of this missense change (SIFT: "Deleterious"; PolyPhen-2: "Probably Damaging"; Align-GVGD: "Class C0"). Algorithms developed to predict the effect of sequence changes on RNA splicing suggest that this variant may create or strengthen a splice site. In summary, the available evidence is currently insufficient to determine the role of this variant in disease. Therefore, it has been classified as a Variant of Uncertain Significance.

NM_001371596.2(MFSD8):c.433G>A (p.Gly145Arg)

Gene: MFSD8 (major facilitator superfamily domain containing 8; minus strand). Cytogenetic location: 4q28.2.
Variant type: single nucleotide variant.
Coding change: c.433G>A on transcript NM_001371596.2 (MANE Select); coding-DNA position 433, G replaced by A.
Protein change: p.Gly145Arg; replaces glycine 145 with arginine.
Molecular consequence: missense variant.
Genome position (GRCh38, 1-based): chr4:127,943,758, C>T on the plus strand (G>A on the coding strand, the complement: MFSD8 is on the minus strand). VCF-style: chr4-127943758-C-T. GRCh37 (hg19) VCF-style: chr4-128864913-C-T.
Other names: c.433G>A, p.Gly145Arg (NM_001363520.3, NM_001363521.3, NM_001371591.2 and 5 more transcripts); c.298G>A, p.Gly100Arg (NM_001371590.2, NM_001371595.1, NM_001410765.1); short protein forms G145R, G100R.
Identifiers: ClinVar variation 2072713 (VCV002072713.1), dbSNP rs2546165375, ClinGen allele CA358176659.